The following is an entry in ClinVar:

ClinVar aggregate classification (germline): Conflicting classifications of pathogenicity. Review status: criteria provided, conflicting classifications (1 of 4 stars). 5 submissions from 5 submitters: Pathogenic (1); Likely pathogenic (2); Uncertain significance (2). Last evaluated 2026-01-22.

Conditions:
Mitochondrial DNA depletion syndrome 9 (MTDPS9). Also called: SUCLG1-Related Mitochondrial DNA Depletion Syndrome, Encephalomyopathic Form with Methylmalonic Aciduria. Identifiers: Orphanet 17, MedGen C3151476, MONDO:0009504, OMIM 245400.
SUCLG1-related disorder. Also called: SUCLG1-related condition.

Allele frequency attached by ClinVar (database versions not stated): gnomAD exomes below 0.00001.
gnomAD v4.1: 5 of 1,585,736 alleles (0.00032%); highest among the groups gnomAD compares: Non-Finnish European, 0.00043%; no homozygotes.

Submissions (5):

GeneDx
Classification: Likely pathogenic. Last evaluated: 2026-01-22. Review status: criteria provided, single submitter. Criteria: GeneDx Variant Classification Process June 2021. Collection method: clinical testing. Allele origin: germline. Affected: yes.
Comment: Not observed at significant frequency in large population cohorts (gnomAD); In silico analysis supports that this missense variant has a deleterious effect on protein structure/function; This variant is associated with the following publications: (PMID: 26475597, 33300680, 27484306, 37445899, 20197121)

3billion
Classification: Uncertain significance for Mitochondrial DNA depletion syndrome 9. Last evaluated: 2025-07-14. Review status: criteria provided, single submitter. Criteria: ACMG Guidelines, 2015. Collection method: clinical testing. Allele origin: germline. Affected: yes.
Comment: The variant is observed at an extremely low frequency in the gnomAD v4.1.0 dataset (total allele frequency: <0.001%). Predicted Consequence/Location: Missense variant In silico tool predictions suggest damaging effect of the variant on gene or gene product [REVEL: 0.73 (>=0.6, sensitivity 0.68 and specificity 0.92)]. The same nucleotide change resulting in the same amino acid change has been previously reported to be associated with SUCLG1-related disorder (PMID: 20197121). However, the evidence of pathogenicity is insufficient at this time. Therefore, this variant is classified as VUS according to the recommendation of ACMG/AMP guideline.

Labcorp Genetics (formerly Invitae), Labcorp
Classification: Uncertain significance for Mitochondrial DNA depletion syndrome 9. Last evaluated: 2025-01-27. Review status: criteria provided, single submitter. Criteria: Invitae Variant Classification Sherloc (09022015). Collection method: clinical testing. Allele origin: germline.
Comment: This sequence change replaces serine, which is neutral and polar, with phenylalanine, which is neutral and non-polar, at codon 46 of the SUCLG1 protein (p.Ser46Phe). This variant is present in population databases (no rsID available, gnomAD 0.0009%). This missense change has been observed in individuals with mitochondrial DNA depletion syndrome (PMID: 20197121, 26475597). ClinVar contains an entry for this variant (Variation ID: 1303014). Invitae Evidence Modeling of protein sequence and biophysical properties (such as structural, functional, and spatial information, amino acid conservation, physicochemical variation, residue mobility, and thermodynamic stability) has been performed for this missense variant. However, the output from this modeling did not meet the statistical confidence thresholds required to predict the impact of this variant on SUCLG1 protein function. In summary, the available evidence is currently insufficient to determine the role of this variant in disease. Therefore, it has been classified as a Variant of Uncertain Significance.

Blueprint Genetics
Classification: Pathogenic for SUCLG1-related disorders. Last evaluated: 2024-09-09. Review status: criteria provided, single submitter. Criteria: ACMG Guidelines, 2015. Collection method: clinical testing. Allele origin: germline. Affected: yes. Observed: 5 variant alleles.

Institute of Human Genetics Munich, TUM University Hospital
Classification: Likely pathogenic for Mitochondrial DNA depletion syndrome 9. Last evaluated: 2024-03-07. Review status: criteria provided, single submitter. Criteria: Classification criteria August 2017. Collection method: clinical testing. Allele origin: germline. Inheritance: Autosomal recessive inheritance. Affected: yes. Observed: 1 variant allele.

Literature cited by the submitters: PubMed 20197121 (cited by 3billion and Labcorp Genetics (formerly Invitae), Labcorp); PubMed 26475597 (cited by Labcorp Genetics (formerly Invitae), Labcorp).

NM_003849.4(SUCLG1):c.137C>T (p.Ser46Phe)

Gene: SUCLG1 (succinate-CoA ligase GDP/ADP-forming subunit alpha; minus strand). Cytogenetic location: 2p11.2.
Variant type: single nucleotide variant.
Coding change: c.137C>T on transcript NM_003849.4 (MANE Select); coding-DNA position 137, C replaced by T.
Protein change: p.Ser46Phe; replaces serine 46 with phenylalanine.
Molecular consequence: missense variant.
Genome position (GRCh38, 1-based): chr2:84,449,713, G>A on the plus strand (C>T on the coding strand, the complement: SUCLG1 is on the minus strand). VCF-style: chr2-84449713-G-A. GRCh37 (hg19) VCF-style: chr2-84676837-G-A.
Other names: short protein forms S46F.
Identifiers: ClinVar variation 1303014 (VCV001303014.16), dbSNP rs1287269389, ClinGen allele CA347517212.
Genomic context (GRCh38, chr2:84,449,713, plus strand): 5'-TTGCCAGTGAAACCCTGGCAAATAATCTTTGTATTTTTATCAACATAGAGATGTTGCCGA[G>A]AAGCTGTGTAGGAACAATGCCGAATTCCATTCTGCGGCACTAAGAGGTTAAAAAAAAAAA-3'
Protein context (NP_003840.2, residues 36-56): NGIRHCSYTA[Ser46Phe]RQHLYVDKNT